The following is an entry in ClinVar:

ClinVar aggregate classification (germline): Uncertain significance (1 of 4 stars; one submission).

Conditions:
Myofibrillar myopathy 5. Also called: FILAMINOPATHY, AUTOSOMAL DOMINANT; Filaminopathy (type). Identifiers: Orphanet 171445, MedGen C1836050, MONDO:0012289, OMIM 609524.
Distal myopathy with posterior leg and anterior hand involvement. Also called: WILLIAMS DISTAL MYOPATHY. Identifiers: Orphanet 63273, MedGen C3279722, MONDO:0013550, OMIM 614065.
Hypertrophic cardiomyopathy 26. Also called: Cardiomyopathy, familial hypertrophic, 26. Identifiers: Orphanet 75249, MedGen C4310749, MONDO:0014883, OMIM 617047.

Submission:

Labcorp Genetics (formerly Invitae), Labcorp
Classification: Uncertain significance for Distal myopathy with posterior leg and anterior hand involvement; Myofibrillar myopathy 5; Hypertrophic cardiomyopathy 26. Last evaluated: 2025-12-09. Review status: criteria provided, single submitter. Criteria: Invitae Variant Classification Sherloc (09022015). Collection method: clinical testing. Allele origin: germline.
Comment: This sequence change falls in intron 15 of the FLNC gene. It does not directly change the encoded amino acid sequence of the FLNC protein. It affects a nucleotide within the consensus splice site. This variant is not present in population databases (gnomAD no frequency). This variant has not been reported in the literature in individuals affected with FLNC-related conditions. Variants that disrupt the consensus splice site are a relatively common cause of aberrant splicing (PMID: 17576681, 9536098). Algorithms developed to predict the effect of sequence changes on RNA splicing suggest that this variant is not likely to affect RNA splicing. In summary, the available evidence is currently insufficient to determine the role of this variant in disease. Therefore, it has been classified as a Variant of Uncertain Significance.

Literature cited by the submitters: PubMed 17576681; PubMed 9536098.

NM_001458.5(FLNC):c.2389+3G>A

Gene: FLNC (filamin C; plus strand). Cytogenetic location: 7q32.1.
Variant type: single nucleotide variant.
Coding change: c.2389+3G>A on transcript NM_001458.5 (MANE Select); 3 bases into the intron after coding-DNA position 2389, G replaced by A.
Molecular consequence: intron variant.
Genome position (GRCh38, 1-based): chr7:128,842,701, G>A. VCF-style: chr7-128842701-G-A. GRCh37 (hg19) VCF-style: chr7-128482755-G-A.
Other names: c.2389+3G>A (NM_001127487.2).
Identifiers: ClinVar variation 4812314 (VCV004812314.1).
Genomic context (GRCh38, chr7:128,842,701, plus strand): 5'-GGCCTCAAGGCCAATGAGCCCACCTACTTCACGGTGGACTGCAGCGAGGCGGGGCAAGGT[G>A]CGCCCAGCCGGAAGGGGTGGGTCTGGGAGGGGGCGGGGGTGAGTCGAGTCGGGGGCTGAG-3'